The following is an entry in ClinVar:

NM_003659.4(AGPS):c.1234-231G>C

Gene: AGPS (alkylglycerone phosphate synthase; plus strand). Cytogenetic location: 2q31.2.
Variant type: single nucleotide variant.
Coding change: c.1234-231G>C on transcript NM_003659.4 (MANE Select); 231 bases into the intron before coding-DNA position 1234, G replaced by C.
Molecular consequence: intron variant.
Genome position (GRCh38, 1-based): chr2:177,492,917, G>C. VCF-style: chr2-177492917-G-C. GRCh37 (hg19) VCF-style: chr2-178357645-G-C.
Identifiers: ClinVar variation 683774 (VCV000683774.1), dbSNP rs57681892, ClinGen allele CA15161220.
Genomic context (GRCh38, chr2:177,492,917, plus strand): 5'-TGTCTTTGCCAGACATTAGGCAGCTTTTTCTGCTGATAAATTTAAAATCTGTTAACTTAT[G>C]TTTGTATTTATTTATCTATATCTGTAGATTTCTTCTCTCCAAATATTTTATAGAAGTCAT-3'

ClinVar aggregate classification (germline): Benign (1 of 4 stars; one submission).

Allele frequency attached by ClinVar (database versions not stated): 1000 Genomes Project 30x 0.61743; 1000 Genomes Project 0.61941; gnomAD 0.63595 and 0.64085.
gnomAD v4.1: 97,067 of 151,260 alleles (64%); highest among the groups gnomAD compares: Admixed American, 74%; 32,900 homozygotes.

Submission:

GeneDx
Classification: Benign. Last evaluated: 2018-06-14. Review status: criteria provided, single submitter. Criteria: GeneDx Variant Classification (06012015). Collection method: clinical testing. Allele origin: germline. Affected: yes.
Comment: This variant is considered likely benign or benign based on one or more of the following criteria: it is a conservative change, it occurs at a poorly conserved position in the protein, it is predicted to be benign by multiple in silico algorithms, and/or has population frequency not consistent with disease.